The following is an entry in ClinVar:

NM_004006.3(DMD):c.4234-4A>G

Gene: DMD (dystrophin; minus strand). Cytogenetic location: Xp21.1.
Variant type: single nucleotide variant.
Coding change: c.4234-4A>G on transcript NM_004006.3 (MANE Select); 4 bases into the intron before coding-DNA position 4234, A replaced by G.
Molecular consequence: intron variant.
Genome position (GRCh38, 1-based): chrX:32,390,185, T>C on the plus strand (A>G on the coding strand, the complement: DMD is on the minus strand). VCF-style: chrX-32390185-T-C. GRCh37 (hg19) VCF-style: chrX-32408302-T-C.
Other names: c.4210-4A>G (NM_000109.4); c.211-4A>G (NM_004011.4); c.202-4A>G (NM_004012.4); c.4222-4A>G (NM_004009.3); c.3865-4A>G (NM_004010.3).
Identifiers: ClinVar variation 1595443 (VCV001595443.10), dbSNP rs764846703, ClinGen allele CA10379002.

ClinVar aggregate classification (germline): Conflicting classifications of pathogenicity. Review status: criteria provided, conflicting classifications (1 of 4 stars). 2 submissions from 2 submitters: Uncertain significance (1); Likely benign (1). Last evaluated 2025-05-21.

Conditions:
Cardiovascular phenotype. Identifiers: MedGen CN230736.
Duchenne muscular dystrophy (DMD). Also called: MUSCULAR DYSTROPHY, PSEUDOHYPERTROPHIC PROGRESSIVE, DUCHENNE TYPE; Duchenne Muscular Dystrophy (DMD). Identifiers: Orphanet 98896, MedGen C0013264, MONDO:0010679, OMIM 310200.

Allele frequency attached by ClinVar (database versions not stated): ExAC 0.00001; gnomAD 0.00001; gnomAD exomes 0.00001 and 0.00002; TOPMed 0.00001.
gnomAD v4.1: 24 of 1,159,021 alleles (0.0021%); highest among the groups gnomAD compares: South Asian, 0.0036%; no homozygotes.

Submissions (2):

Labcorp Genetics (formerly Invitae), Labcorp
Classification: Likely benign for Duchenne muscular dystrophy. Last evaluated: 2025-05-21. Review status: criteria provided, single submitter. Criteria: Invitae Variant Classification Sherloc (09022015). Collection method: clinical testing. Allele origin: germline.

Ambry Genetics
Classification: Uncertain significance for Cardiovascular phenotype. Last evaluated: 2021-02-04. Review status: criteria provided, single submitter. Criteria: Ambry Variant Classification Scheme 2023. Collection method: clinical testing. Allele origin: germline.
Comment: The c.4234-4A>G intronic variant results from an A to G substitution 4 nucleotides upstream from coding exon 31 in the DMD gene. Based on data from gnomAD, the G allele has an overall frequency of 0.001% (2/181718) total alleles studied, with 1 hemizygote observed. The highest observed frequency was 0.005% (1/18988) of South Asian alleles. This nucleotide position is highly conserved in available vertebrate species. In silico splice site analysis predicts that this alteration may weaken the native splice acceptor site. Since supporting evidence is limited at this time, the clinical significance of this alteration remains unclear.